The following is an entry in ClinVar:

NM_001903.5(CTNNA1):c.2557A>C (p.Asn853His)

Gene: CTNNA1 (catenin alpha 1; plus strand). Cytogenetic location: 5q31.2.
Variant type: single nucleotide variant.
Coding change: c.2557A>C on transcript NM_001903.5 (MANE Select); coding-DNA position 2557, A replaced by C.
Protein change: p.Asn853His; replaces asparagine 853 with histidine.
Molecular consequence: missense variant. On other transcripts: 3 prime UTR variant (5).
Genome position (GRCh38, 1-based): chr5:138,933,925, A>C. VCF-style: chr5-138933925-A-C. GRCh37 (hg19) VCF-style: chr5-138269614-A-C.
Other names: c.*102A>C (NM_001290307.3, NM_001324002.1, NM_001324003.1 and 2 more transcripts); c.2248A>C, p.Asn750His (NM_001290309.3); c.2557A>C (NM_001903.2); c.2188A>C, p.Asn730His (NM_001290310.3); c.1447A>C, p.Asn483His (NM_001290312.1, NM_001323987.1, NM_001323988.1 and 12 more transcripts); c.2557A>C, p.Asn853His (NM_001323982.2, NM_001323983.1, NM_001323984.2); c.2530A>C, p.Asn844His (NM_001323985.2); c.2464A>C, p.Asn822His (NM_001323986.2); and 4 more; short protein forms N370H, N438H, N750H, N853H, N402H, N452H, N730H, N483H.
Identifiers: ClinVar variation 948300 (VCV000948300.8), dbSNP rs1580945305, ClinGen allele CA361135473.

ClinVar aggregate classification (germline): Uncertain significance. Review status: criteria provided, multiple submitters, no conflicts (2 of 4 stars). 2 submissions from 2 submitters: Uncertain significance (2). Last evaluated 2025-12-15.

Conditions:
Hereditary cancer-predisposing syndrome. Also called: Hereditary neoplastic syndrome; Neoplastic Syndromes, Hereditary; Tumor predisposition; Hereditary Cancer Syndrome. Identifiers: Orphanet 140162, MedGen C0027672, MeSH D009386, MONDO:0015356.

Submissions (2):

Labcorp Genetics (formerly Invitae), Labcorp
Classification: Uncertain significance. Last evaluated: 2025-12-15. Review status: criteria provided, single submitter. Criteria: Invitae Variant Classification Sherloc (09022015). Collection method: clinical testing. Allele origin: germline.
Comment: This sequence change replaces asparagine, which is neutral and polar, with histidine, which is basic and polar, at codon 853 of the CTNNA1 protein (p.Asn853His). This variant is not present in population databases (gnomAD no frequency). This variant has not been reported in the literature in individuals affected with CTNNA1-related conditions. ClinVar contains an entry for this variant (Variation ID: 948300). An algorithm developed to predict the effect of missense changes on protein structure and function (PolyPhen-2) suggests that this variant is likely to be tolerated. In summary, the available evidence is currently insufficient to determine the role of this variant in disease. Therefore, it has been classified as a Variant of Uncertain Significance.

Ambry Genetics
Classification: Uncertain significance for Hereditary cancer-predisposing syndrome. Last evaluated: 2024-03-27. Review status: criteria provided, single submitter. Criteria: Ambry Variant Classification Scheme 2023. Collection method: clinical testing. Allele origin: germline.
Comment: The p.N853H variant (also known as c.2557A>C), located in coding exon 17 of the CTNNA1 gene, results from an A to C substitution at nucleotide position 2557. The asparagine at codon 853 is replaced by histidine, an amino acid with similar properties. This amino acid position is highly conserved in available vertebrate species. In addition, this alteration is predicted to be tolerated by in silico analysis. The evidence for this gene-disease relationship is limited; therefore, the clinical significance of this alteration is unclear.